The following is an entry in ClinVar:

ClinVar aggregate classification (germline): Pathogenic/Likely pathogenic. Review status: criteria provided, multiple submitters, no conflicts (2 of 4 stars). 2 submissions from 2 submitters: Pathogenic (1); Likely pathogenic (1). Last evaluated 2026-07-21.

Conditions:
FANCD2-related disorder. Also called: FANCD2-related condition.
Fanconi anemia (FA). Also called: Fanconi's anemia. Identifiers: Orphanet 84, MedGen C0015625, MeSH D005199, MONDO:0019391.

Submissions (2):

PreventionGenetics, part of Exact Sciences
Classification: Likely pathogenic for FANCD2-related condition. Last evaluated: 2026-07-21. Review status: criteria provided, single submitter. Criteria: ACMG Guidelines, 2015. Collection method: clinical testing. Allele origin: germline.
Comment: The FANCD2 c.4140T>A variant is predicted to result in premature protein termination (p.Cys1380*). To our knowledge, this variant has not been reported in the literature in individuals with FANCD2-associated conditions. This variant has not been reported in a large population database (gnomAD), indicating this variant is rare. Nonsense variants in FANCD2 are expected to be pathogenic. This variant is interpreted as likely pathogenic.

Labcorp Genetics (formerly Invitae), Labcorp
Classification: Pathogenic for Fanconi anemia. Last evaluated: 2021-01-19. Review status: criteria provided, single submitter. Criteria: Invitae Variant Classification Sherloc (09022015). Collection method: clinical testing. Allele origin: germline.
Comment: This sequence change creates a premature translational stop signal (p.Cys1380*) in the FANCD2 gene. It is expected to result in an absent or disrupted protein product. This variant is not present in population databases (ExAC no frequency). This variant has not been reported in the literature in individuals with FANCD2-related conditions. Loss-of-function variants in FANCD2 are known to be pathogenic (PMID: 17436244). For these reasons, this variant has been classified as Pathogenic.

Literature cited by the submitters: PubMed 17436244 (cited by Labcorp Genetics (formerly Invitae), Labcorp).

NM_001018115.3(FANCD2):c.4140T>A (p.Cys1380Ter)

Genes: FANCD2 (FA complementation group D2; plus strand), FANCD2OS (FANCD2 opposite strand; minus strand). Cytogenetic location: 3p25.3.
Variant type: single nucleotide variant.
Coding change: c.4140T>A on transcript NM_001018115.3 (MANE Select); coding-DNA position 4140, T replaced by A.
Protein change: p.Cys1380Ter; replaces cysteine 1380 with a stop codon.
Molecular consequence: nonsense. On other transcripts: intron variant (1).
Genome position (GRCh38, 1-based): chr3:10,096,427, T>A. VCF-style: chr3-10096427-T-A. GRCh37 (hg19) VCF-style: chr3-10138111-T-A.
Other names: c.4140T>A, p.Cys1380Ter (NM_001319984.2, NM_033084.6); c.4029T>A, p.Cys1343Ter (NM_001374253.1); c.4101T>A, p.Cys1367Ter (NM_001374254.1); c.*43+7771A>T (NM_173472.2); short protein forms C1343*, C1367*, C1380*.
Identifiers: ClinVar variation 1072175 (VCV001072175.8), dbSNP rs954149471, ClinGen allele CA351757915.